The following is an entry in ClinVar:

NM_020822.3(KCNT1):c.742G>A (p.Ala248Thr)

Gene: KCNT1 (potassium sodium-activated channel subfamily T member 1; plus strand). Cytogenetic location: 9q34.3.
Variant type: single nucleotide variant.
Coding change: c.742G>A on transcript NM_020822.3 (MANE Select); coding-DNA position 742, G replaced by A.
Protein change: p.Ala248Thr; replaces alanine 248 with threonine.
Molecular consequence: missense variant.
Genome position (GRCh38, 1-based): chr9:135,757,364, G>A. VCF-style: chr9-135757364-G-A. GRCh37 (hg19) VCF-style: chr9-138649210-G-A.
Other names: c.598G>A, p.Ala200Thr (NM_001272003.2); short protein forms A200T, A248T.
Identifiers: ClinVar variation 2954536 (VCV002954536.4), dbSNP rs764050624, ClinGen allele CA5326608.

ClinVar aggregate classification (germline): Uncertain significance. Review status: criteria provided, single submitter (1 of 4 stars). 2 submissions from 2 submitters: Uncertain significance (1). 1 of the submissions does not count toward it. Last evaluated 2023-11-01.

Conditions:
Autosomal dominant nocturnal frontal lobe epilepsy 5. Also called: Epilepsy, nocturnal frontal lobe, 5; KCNT1-Related Epilepsy; CILIARY DYSKINESIA, PRIMARY, 28, WITHOUT SITUS INVERSUS; CILIARY DYSKINESIA, PRIMARY, 28, WITH SITUS INVERSUS. Identifiers: Orphanet 98784, MedGen C3554306, MONDO:0014002, OMIM 615005.
Developmental and epileptic encephalopathy, 14 (DEE14). Also called: Early infantile epileptic encephalopathy 14. Identifiers: Orphanet 293181, MedGen C3554195, MONDO:0013989, OMIM 614959.

Allele frequency attached by ClinVar (database versions not stated): TOPMed below 0.00001; ExAC 0.00002.
gnomAD v4.1: 11 of 1,609,530 alleles (0.00068%); highest among the groups gnomAD compares: South Asian, 0.0044%; no homozygotes.

Submissions (2):

Labcorp Genetics (formerly Invitae), Labcorp
Classification: Uncertain significance for Autosomal dominant nocturnal frontal lobe epilepsy 5; Developmental and epileptic encephalopathy, 14. Last evaluated: 2023-11-01. Review status: criteria provided, single submitter. Criteria: Invitae Variant Classification Sherloc (09022015). Collection method: clinical testing. Allele origin: germline.
Comment: This sequence change replaces alanine, which is neutral and non-polar, with threonine, which is neutral and polar, at codon 248 of the KCNT1 protein (p.Ala248Thr). This variant is present in population databases (rs764050624, gnomAD 0.007%). This missense change has been observed in individual(s) with autism (PMID: 35982160). Advanced modeling of protein sequence and biophysical properties (such as structural, functional, and spatial information, amino acid conservation, physicochemical variation, residue mobility, and thermodynamic stability) performed at Invitae indicates that this missense variant is not expected to disrupt KCNT1 protein function with a negative predictive value of 80%. In summary, the available evidence is currently insufficient to determine the role of this variant in disease. Therefore, it has been classified as a Variant of Uncertain Significance.

Solve-RD Consortium
Classification: Likely pathogenic for Developmental and epileptic encephalopathy, 14. Last evaluated: 2022-06-01. Review status: no assertion criteria provided. Collection method: provider interpretation. Allele origin: de novo. Affected: yes. Not counted in ClinVar's aggregate classification.
Comment: Variant confirmed as disease-causing by referring clinical team

Variant identified during reanalysis of unsolved cases by the Solve-RD project. The Solve-RD project has received funding from the European Union’s Horizon 2020 research and innovation programme under grant agreement No 779257.

Literature cited by the submitters: PubMed 35982160 (cited by Labcorp Genetics (formerly Invitae), Labcorp); PubMed 39825153 (cited by Solve-RD Consortium).